The following is an entry in ClinVar:

ClinVar aggregate classification (germline): Benign/Likely benign. Review status: criteria provided, multiple submitters, no conflicts (2 of 4 stars). 3 submissions from 3 submitters: Benign (2); Likely benign (1). Last evaluated 2025-07-20.

Conditions:
Hereditary cancer-predisposing syndrome. Also called: Neoplastic Syndromes, Hereditary; Hereditary Cancer Syndrome; Tumor predisposition; Hereditary neoplastic syndrome. Identifiers: Orphanet 140162, MedGen C0027672, MeSH D009386, MONDO:0015356.
Tuberous sclerosis 2 (TSC2). Identifiers: Orphanet 805, MedGen C1860707, MONDO:0013199, OMIM 613254.

Allele frequency attached by ClinVar (database versions not stated): gnomAD exomes below 0.00001.

Submissions (3):

Ambry Genetics
Classification: Likely benign for Hereditary cancer-predisposing syndrome. Last evaluated: 2025-07-20. Review status: criteria provided, single submitter. Criteria: Ambry Variant Classification Scheme 2023. Collection method: clinical testing. Allele origin: germline.

Myriad Genetics, Inc.
Classification: Benign for Tuberous sclerosis 2. Last evaluated: 2025-05-13. Review status: criteria provided, single submitter. Criteria: Myriad Autosomal Dominant, Autosomal Recessive and X-Linked Classification Criteria (2023). Collection method: clinical testing. Allele origin: unknown.
Comment: This variant is considered benign. This variant is a silent/synonymous amino acid change and it is not expected to impact splicing.

Labcorp Genetics (formerly Invitae), Labcorp
Classification: Benign for Tuberous sclerosis 2. Last evaluated: 2023-02-24. Review status: criteria provided, single submitter. Criteria: Invitae Variant Classification Sherloc (09022015). Collection method: clinical testing. Allele origin: germline.

NM_000548.5(TSC2):c.1263C>T (p.Ser421=)

Gene: TSC2 (TSC complex subunit 2; plus strand). Cytogenetic location: 16p13.3.
Variant type: single nucleotide variant.
Coding change: c.1263C>T on transcript NM_000548.5 (MANE Select); coding-DNA position 1263, C replaced by T.
Protein change: p.Ser421=; no amino-acid change (serine 421 retained).
Molecular consequence: synonymous variant. On other transcripts: 5 prime UTR variant (8), non-coding transcript variant (5), intron variant (2).
Genome position (GRCh38, 1-based): chr16:2,062,502, C>T. VCF-style: chr16-2062502-C-T. GRCh37 (hg19) VCF-style: chr16-2112503-C-T.
Other names: c.1263C>T, p.Ser421= (NM_001077183.3, NM_001114382.3, NM_001363528.2 and 6 more transcripts); c.1152C>T, p.Ser384= (NM_001318827.2, NM_001406670.1, NM_001406678.1); c.1116C>T, p.Ser372= (NM_001318829.2, NM_001406675.1, NM_001406676.1 and 1 more transcripts); c.663C>T, p.Ser221= (NM_001318831.2, NM_001406680.1, NM_001406682.1 and 6 more transcripts); c.1296C>T, p.Ser432= (NM_001318832.2); c.1353C>T, p.Ser451= (NM_001406667.1, NM_001406668.1); c.1251C>T, p.Ser417= (NM_001406671.1, NM_001406673.1); c.1206C>T, p.Ser402= (NM_001406677.1); and 4 more.
Identifiers: ClinVar variation 2022785 (VCV002022785.6), dbSNP rs1199113125, ClinGen allele CA492962339.